The following is an entry in ClinVar:

ClinVar aggregate classification (germline): Likely benign. Review status: criteria provided, multiple submitters, no conflicts (2 of 4 stars). 2 submissions from 2 submitters: Likely benign (2). Last evaluated 2026-01-14.

Allele frequency attached by ClinVar (database versions not stated): gnomAD exomes 0.00012; ESP Exome Variant Server 0.00033; ExAC 0.00036; gnomAD 0.00049; TOPMed 0.00063; 1000 Genomes Project 0.00100; 1000 Genomes Project 30x 0.00125.
gnomAD v4.1: 258 of 1,545,900 alleles (0.017%); highest among the groups gnomAD compares: African/African-American, 0.13%; no homozygotes.

Submissions (2):

Labcorp Genetics (formerly Invitae), Labcorp
Classification: Likely benign. Last evaluated: 2026-01-14. Review status: criteria provided, single submitter. Criteria: Invitae Variant Classification Sherloc (09022015). Collection method: clinical testing. Allele origin: germline.

Mayo Clinic Laboratories, Mayo Clinic
Classification: Likely benign. Last evaluated: 2025-02-25. Review status: criteria provided, single submitter. Criteria: ACMG Guidelines, 2015. Collection method: clinical testing. Allele origin: germline. Observed: 1 variant allele.
Comment: BS1, BP4, BP7

NM_001080414.4(CCDC88C):c.5208C>T (p.Ala1736=)

Gene: CCDC88C (coiled-coil and HOOK domain protein 88C; minus strand). Cytogenetic location: 14q32.11.
Variant type: single nucleotide variant.
Coding change: c.5208C>T on transcript NM_001080414.4 (MANE Select); coding-DNA position 5208, C replaced by T.
Protein change: p.Ala1736=; no amino-acid change (alanine 1736 retained).
Molecular consequence: synonymous variant.
Genome position (GRCh38, 1-based): chr14:91,273,504, G>A on the plus strand (C>T on the coding strand, the complement: CCDC88C is on the minus strand). VCF-style: chr14-91273504-G-A. GRCh37 (hg19) VCF-style: chr14-91739848-G-A.
Other names: p.Ala1736=.
Identifiers: ClinVar variation 2166457 (VCV002166457.5), dbSNP rs202069805, ClinGen allele CA7308709.
Genomic context (GRCh38, chr14:91,273,504, plus strand): 5'-TCTGAAGTTTGGCTTTACGTACTGCCCGGGCTTCAGCGGCCTCCCCTCCGAGGTGGGGGC[G>A]GCCATTTTGACGGTGGGGGCCACAAAGTTGGTGGGCATCTTGGCCCCTTCTTTCTTGGCA-3'
Protein context (NP_001073883.2, residues 1726-1746): TNFVAPTVKM[Ala1736=]APTSEGRPLK